The following is an entry in ClinVar:

ClinVar aggregate classification (germline): Pathogenic. Review status: criteria provided, multiple submitters, no conflicts (2 of 4 stars). 3 submissions from 3 submitters: Pathogenic (3). Last evaluated 2023-01-09.

Conditions:
Arrhythmogenic cardiomyopathy with wooly hair and keratoderma. Also called: Carvajal syndrome; Dilated cardiomyopathy with woolly hair and keratoderma; Arrhythmogenic cardiomyopathy with woolly hair and keratoderma; PALMOPLANTAR KERATODERMA WITH LEFT VENTRICULAR CARDIOMYOPATHY AND WOOLLY HAIR. Identifiers: Orphanet 65282, MedGen C1854063, MONDO:0011581, OMIM 605676.
Arrhythmogenic right ventricular dysplasia 8 (ARVD8). Also called: Arrhythmogenic Right Ventricular Dysplasia/Cardiomyopathy 8; ARRHYTHMOGENIC RIGHT VENTRICULAR CARDIOMYOPATHY 8; ARRHYTHMOGENIC RIGHT VENTRICULAR DYSPLASIA, FAMILIAL, 8. Identifiers: MedGen C1843896, MONDO:0011831, OMIM 607450.

Allele frequency attached by ClinVar (database versions not stated): gnomAD exomes below 0.00001.
gnomAD v4.1: 1 of 1,613,986 alleles (0.000062%); highest among the groups gnomAD compares: Non-Finnish European, 0.000085%; no homozygotes.

Submissions (3):

Institute of Human Genetics Munich, TUM University Hospital
Classification: Pathogenic for Arrhythmogenic right ventricular dysplasia 8. Last evaluated: 2023-01-09. Review status: criteria provided, single submitter. Criteria: Classification criteria August 2017. Collection method: clinical testing. Allele origin: germline. Inheritance: Autosomal dominant inheritance. Affected: yes. Observed: 1 variant allele.

Mendelics
Classification: Pathogenic for Arrhythmogenic cardiomyopathy with wooly hair and keratoderma. Last evaluated: 2022-05-04. Review status: criteria provided, single submitter. Criteria: Mendelics Assertion Criteria 2019. Collection method: clinical testing. Allele origin: germline.

Labcorp Genetics (formerly Invitae), Labcorp
Classification: Pathogenic for Arrhythmogenic cardiomyopathy with wooly hair and keratoderma; Arrhythmogenic right ventricular dysplasia 8. Last evaluated: 2019-05-03. Review status: criteria provided, single submitter. Criteria: Invitae Variant Classification Sherloc (09022015). Collection method: clinical testing. Allele origin: germline.
Comment: For these reasons, this variant has been classified as Pathogenic. Loss-of-function variants in DSP are known to be pathogenic (PMID: 20716751, 24503780, 25227139). This variant has not been reported in the literature in individuals with DSP-related conditions. This variant is not present in population databases (ExAC no frequency). This sequence change creates a premature translational stop signal (p.Gln412*) in the DSP gene. It is expected to result in an absent or disrupted protein product.

Literature cited by the submitters: PubMed 20716751 (cited by Labcorp Genetics (formerly Invitae), Labcorp); PubMed 24503780 (cited by Labcorp Genetics (formerly Invitae), Labcorp); PubMed 25227139 (cited by Labcorp Genetics (formerly Invitae), Labcorp).

NM_004415.4(DSP):c.1234C>T (p.Gln412Ter)

Gene: DSP (desmoplakin; plus strand). Cytogenetic location: 6p24.3.
Variant type: single nucleotide variant.
Coding change: c.1234C>T on transcript NM_004415.4 (MANE Select); coding-DNA position 1234, C replaced by T.
Protein change: p.Gln412Ter; replaces glutamine 412 with a stop codon.
Molecular consequence: nonsense.
Genome position (GRCh38, 1-based): chr6:7,567,874, C>T. VCF-style: chr6-7567874-C-T. GRCh37 (hg19) VCF-style: chr6-7568107-C-T.
Other names: c.1234C>T, p.Gln412Ter (NM_001008844.3, NM_001319034.2); short protein forms Q412*.
Identifiers: ClinVar variation 843317 (VCV000843317.10), dbSNP rs1758912749, ClinGen allele CA362676197.